The following is an entry in ClinVar:

ClinVar aggregate classification (germline): Pathogenic. Review status: criteria provided, multiple submitters, no conflicts (2 of 4 stars). 2 submissions from 2 submitters: Pathogenic (2). Last evaluated 2025-03-30.

Conditions:
Inborn genetic diseases. Identifiers: MedGen C0950123, MeSH D030342.
Charcot-Marie-Tooth disease axonal type 2P. Also called: CHARCOT-MARIE-TOOTH NEUROPATHY, TYPE 2P; CHARCOT-MARIE-TOOTH DISEASE, AXONAL, TYPE 2G; CMT 2G; Charcot-Marie-Tooth Neuropathy Type 2G. Identifiers: Orphanet 300319, Orphanet 99941, MedGen C3280797, MONDO:0013753, OMIM 614436.

Submissions (2):

Labcorp Genetics (formerly Invitae), Labcorp
Classification: Pathogenic for Charcot-Marie-Tooth disease axonal type 2P. Last evaluated: 2025-03-30. Review status: criteria provided, single submitter. Criteria: Invitae Variant Classification Sherloc (09022015). Collection method: clinical testing. Allele origin: germline.
Comment: This sequence change creates a premature translational stop signal (p.Gln278Serfs*33) in the LRSAM1 gene. It is expected to result in an absent or disrupted protein product. Loss-of-function variants in LRSAM1 are known to be pathogenic (PMID: 20865121, 33414056). This variant is present in population databases (no rsID available, gnomAD 0.0009%). This variant has not been reported in the literature in individuals affected with LRSAM1-related conditions. ClinVar contains an entry for this variant (Variation ID: 1762915). For these reasons, this variant has been classified as Pathogenic.

Ambry Genetics
Classification: Pathogenic for Inborn genetic diseases. Last evaluated: 2022-01-19. Review status: criteria provided, single submitter. Criteria: Ambry Variant Classification Scheme 2023. Collection method: clinical testing. Allele origin: germline.
Comment: The c.831delG pathogenic mutation, located in coding exon 11 of the LRSAM1 gene, results from a deletion of one nucleotide at nucleotide position 831, causing a translational frameshift with a predicted alternate stop codon (p.Q278Sfs*33). This variant is considered to be rare based on population cohorts in the Genome Aggregation Database (gnomAD). This alteration is expected to result in loss of function by premature protein truncation or nonsense-mediated mRNA decay. Although biallelic loss of function alterations in LRSAM1 have been associated with autosomal recessive Charcot-Marie-Tooth disease, type 2P (CMT2P), haploinsufficiency for LRSAM1 has not been clearly established as a mechanism of disease for autosomal dominant CMT2P. Based on the supporting evidence, this variant is expected to be causative of autosomal recessive CMT2P when present along with a second pathogenic variant on the other allele; however, its clinical significance for autosomal dominant CMT2P is unclear.

Literature cited by the submitters: PubMed 20865121 (cited by Labcorp Genetics (formerly Invitae), Labcorp); PubMed 33414056 (cited by Labcorp Genetics (formerly Invitae), Labcorp).

NM_001005373.4(LRSAM1):c.831del (p.Gln278fs)

Gene: LRSAM1 (leucine rich repeat and sterile alpha motif containing 1; plus strand). Cytogenetic location: 9q33.3.
Variant type: Deletion.
Coding change: c.831del on transcript NM_001005373.4 (MANE Select); coding-DNA position 831, one base deleted (G; older notation c.831delG).
Protein change: p.Gln278fs; shifts the reading frame from glutamine 278.
Molecular consequence: frameshift variant. On other transcripts: non-coding transcript variant (2).
Genome position (GRCh38, 1-based): chr9:127,479,433, G deleted; the last of 4 consecutive G bases (chr9:127,479,430-127,479,433); deleting any one gives the same sequence. VCF-style (leftmost placement, unchanged base first): chr9-127479429-TG-T. GRCh37 (hg19) VCF-style: chr9-130241708-TG-T.
Other names: c.831del, p.Gln278fs (NM_001005374.4, NM_001190723.3, NM_001384142.1 and 2 more transcripts); c.42del, p.Gln15fs (NM_001384144.1); short protein forms Q278fs, Q15fs.
Identifiers: ClinVar variation 1762915 (VCV001762915.3), dbSNP rs1211403432, ClinGen allele CA590592107.